The following is an entry in ClinVar:

ClinVar aggregate classification (germline): Uncertain significance (0 of 4 stars; one submission).

Conditions:
EHHADH-related disorder. Also called: EHHADH-related condition.

gnomAD v4.1: 3 of 1,606,780 alleles (0.00019%); highest among the groups gnomAD compares: Admixed American, 0.0051%; no homozygotes.

Submission:

PreventionGenetics, part of Exact Sciences
Classification: Uncertain significance for EHHADH-related condition. Last evaluated: 2024-06-02. Review status: no assertion criteria provided. Collection method: clinical testing. Allele origin: germline.
Comment: The EHHADH c.508G>A variant is predicted to result in the amino acid substitution p.Asp170Asn. To our knowledge, this variant has not been reported in the literature. This variant is reported in 0.0088% of alleles in individuals of Latino descent in gnomAD. At this time, the clinical significance of this variant is uncertain due to the absence of conclusive functional and genetic evidence.

NM_001966.4(EHHADH):c.508G>A (p.Asp170Asn)

Gene: EHHADH (enoyl-CoA hydratase and 3-hydroxyacyl CoA dehydrogenase; minus strand). Cytogenetic location: 3q27.2.
Variant type: single nucleotide variant.
Coding change: c.508G>A on transcript NM_001966.4 (MANE Select); coding-DNA position 508, G replaced by A.
Protein change: p.Asp170Asn; replaces aspartic acid 170 with asparagine.
Molecular consequence: missense variant.
Genome position (GRCh38, 1-based): chr3:185,218,196, C>T on the plus strand (G>A on the coding strand, the complement: EHHADH is on the minus strand). VCF-style: chr3-185218196-C-T. GRCh37 (hg19) VCF-style: chr3-184935984-C-T.
Other names: c.220G>A, p.Asp74Asn (NM_001166415.2); short protein forms D170N, D74N.
Identifiers: ClinVar variation 3356968 (VCV003356968.1).